The following is an entry in ClinVar:

NM_001478.5(B4GALNT1):c.1152C>T (p.Gly384=)

Gene: B4GALNT1 (beta-1,4-N-acetyl-galactosaminyltransferase 1; minus strand). Cytogenetic location: 12q13.3.
Variant type: single nucleotide variant.
Coding change: c.1152C>T on transcript NM_001478.5 (MANE Select); coding-DNA position 1152, C replaced by T.
Protein change: p.Gly384=; no amino-acid change (glycine 384 retained).
Molecular consequence: synonymous variant.
Genome position (GRCh38, 1-based): chr12:57,627,850, G>A on the plus strand (C>T on the coding strand, the complement: B4GALNT1 is on the minus strand). VCF-style: chr12-57627850-G-A. GRCh37 (hg19) VCF-style: chr12-58021633-G-A.
Other names: c.987C>T, p.Gly329= (NM_001276468.2, NM_001413978.1); c.1320C>T, p.Gly440= (NM_001413967.1); c.1287C>T, p.Gly429= (NM_001413968.1, NM_001413969.1); c.1185C>T, p.Gly395= (NM_001413970.1, NM_001413971.1, NM_001413972.1); c.1152C>T, p.Gly384= (NM_001413973.1, NM_001413974.1); c.1053C>T, p.Gly351= (NM_001413977.1); c.300C>T, p.Gly100= (NM_001413981.1); c.198C>T, p.Gly66= (NM_001413982.1); and 1 more.
Identifiers: ClinVar variation 3026238 (VCV003026238.22), dbSNP rs1884938166, ClinGen allele CA480400863.

ClinVar aggregate classification (germline): Likely benign (1 of 4 stars; one submission).

gnomAD v4.1: 3 of 1,582,452 alleles (0.00019%); highest among the groups gnomAD compares: Non-Finnish European, 0.00026%; no homozygotes.

Submission:

CeGaT Center for Human Genetics Tuebingen
Classification: Likely benign. Last evaluated: 2023-12-01. Review status: criteria provided, single submitter. Criteria: CeGaT Center For Human Genetics Tuebingen Variant Classification Criteria Version 2. Collection method: clinical testing. Allele origin: germline. Affected: yes. Observed: 1 variant allele.
Comment: B4GALNT1: PM2:Supporting, BP4, BP7